The following is an entry in ClinVar:

NM_016284.5(CNOT1):c.3284T>C (p.Ile1095Thr)

Gene: CNOT1 (CCR4-NOT transcription complex subunit 1; minus strand). Cytogenetic location: 16q21.
Variant type: single nucleotide variant.
Coding change: c.3284T>C on transcript NM_016284.5 (MANE Select); coding-DNA position 3284, T replaced by C.
Protein change: p.Ile1095Thr; replaces isoleucine 1095 with threonine.
Molecular consequence: missense variant. On other transcripts: non-coding transcript variant (1).
Genome position (GRCh38, 1-based): chr16:58,551,190, A>G on the plus strand (T>C on the coding strand, the complement: CNOT1 is on the minus strand). VCF-style: chr16-58551190-A-G. GRCh37 (hg19) VCF-style: chr16-58585094-A-G.
Other names: c.3269T>C, p.Ile1090Thr (NM_001265612.2); c.3284T>C, p.Ile1095Thr (NM_206999.3); short protein forms I1090T, I1095T.
Identifiers: ClinVar variation 2415380 (VCV002415380.6), dbSNP rs1007304544, ClinGen allele CA281686320.

ClinVar aggregate classification (germline): Uncertain significance (1 of 4 stars; one submission).

Allele frequency attached by ClinVar (database versions not stated): TOPMed 0.00003; gnomAD exomes 0.00001; gnomAD 0.00002.
gnomAD v4.1: 11 of 1,610,612 alleles (0.00068%); highest among the groups gnomAD compares: African/African-American, 0.0094%; no homozygotes.

Submission:

Labcorp Genetics (formerly Invitae), Labcorp
Classification: Uncertain significance. Last evaluated: 2022-11-22. Review status: criteria provided, single submitter. Criteria: Invitae Variant Classification Sherloc (09022015). Collection method: clinical testing. Allele origin: germline.
Comment: This variant has not been reported in the literature in individuals affected with CNOT1-related conditions. In summary, the available evidence is currently insufficient to determine the role of this variant in disease. Therefore, it has been classified as a Variant of Uncertain Significance. Algorithms developed to predict the effect of missense changes on protein structure and function are either unavailable or do not agree on the potential impact of this missense change (SIFT: "Deleterious"; PolyPhen-2: "Benign"; Align-GVGD: "Class C0"). This variant is present in population databases (no rsID available, gnomAD 0.02%). This sequence change replaces isoleucine, which is neutral and non-polar, with threonine, which is neutral and polar, at codon 1090 of the CNOT1 protein (p.Ile1090Thr).